The following is an entry in ClinVar:

ClinVar aggregate classification (germline): Likely pathogenic. Review status: criteria provided, multiple submitters, no conflicts (2 of 4 stars). 2 submissions from 2 submitters: Likely pathogenic (2). Last evaluated 2024-04-30.

Conditions:
Interstitial lung disease due to ABCA3 deficiency. Also called: PULMONARY ALVEOLAR PROTEINOSIS, CONGENITAL, 3. Identifiers: Orphanet 440402, MedGen C1970456, MONDO:0012582, OMIM 610921.

Submissions (2):

Fulgent Genetics
Classification: Likely pathogenic for Interstitial lung disease due to ABCA3 deficiency. Last evaluated: 2024-04-30. Review status: criteria provided, single submitter. Criteria: ACMG Guidelines, 2015. Collection method: clinical testing. Allele origin: germline.

Women's Health and Genetics/Laboratory Corporation of America, LabCorp
Classification: Likely pathogenic for Interstitial lung disease due to ABCA3 deficiency. Last evaluated: 2024-04-23. Review status: criteria provided, single submitter. Criteria: LabCorp Variant Classification Summary - May 2015. Collection method: clinical testing. Allele origin: germline.
Comment: Variant summary: ABCA3 c.3347C>T (p.Ser1116Phe) results in a non-conservative amino acid change in the encoded protein sequence. Five of five in-silico tools predict a damaging effect of the variant on protein function. The variant was absent in 172920 control chromosomes (gnomAD). c.3347C>T has been reported in the literature in the homozygous state in two siblings affected with a fatal pulmonary surfactant metabolism dysfunction (Moore_2014). These data indicate that the variant is likely to be associated with disease. To our knowledge, no experimental evidence demonstrating an impact on protein function has been reported. The following publication has been ascertained in the context of this evaluation (PMID: 24628317). No submitters have cited clinical-significance assessments for this variant to ClinVar. Based on the evidence outlined above, the variant was classified as likely pathogenic.

Literature cited by the submitters: PubMed 24628317 (cited by Women's Health and Genetics/Laboratory Corporation of America, LabCorp).

NM_001089.3(ABCA3):c.3347C>T (p.Ser1116Phe)

Gene: ABCA3 (ATP binding cassette subfamily A member 3; minus strand). Cytogenetic location: 16p13.3.
Variant type: single nucleotide variant.
Coding change: c.3347C>T on transcript NM_001089.3 (MANE Select); coding-DNA position 3347, C replaced by T.
Protein change: p.Ser1116Phe; replaces serine 1116 with phenylalanine.
Molecular consequence: missense variant.
Genome position (GRCh38, 1-based): chr16:2,285,578, G>A on the plus strand (C>T on the coding strand, the complement: ABCA3 is on the minus strand). VCF-style: chr16-2285578-G-A. GRCh37 (hg19) VCF-style: chr16-2335579-G-A.
Other names: short protein forms S1116F.
Identifiers: ClinVar variation 3251762 (VCV003251762.2), dbSNP rs2505623489.
Genomic context (GRCh38, chr16:2,285,578, plus strand): 5'-ACTCCACTCACAAACTGCACATGCTTGGCCTGCACGGCCCTCTCGCTGACCGCCAGGATG[G>A]AGAACGTGCTGGCCAAGAATGCCATGGCGAAGAGCAGGTTGAGGGCAATGTCGAATCCCT-3'
Protein context (NP_001080.2, residues 1106-1126): FAMAFLASTF[Ser1116Phe]ILAVSERAVQ